The following is an entry in ClinVar:

NM_001273.5(CHD4):c.5002G>C (p.Glu1668Gln)

Genes: CHD4 (chromodomain helicase DNA binding protein 4; minus strand), CHD4-AS1 (CHD4 antisense RNA 1; plus strand). Cytogenetic location: 12p13.31.
Variant type: single nucleotide variant.
Coding change: c.5002G>C on transcript NM_001273.5 (MANE Select); coding-DNA position 5002, G replaced by C.
Protein change: p.Glu1668Gln; replaces glutamic acid 1668 with glutamine.
Molecular consequence: missense variant.
Genome position (GRCh38, 1-based): chr12:6,578,526, C>G on the plus strand (G>C on the coding strand, the complement: CHD4 is on the minus strand). VCF-style: chr12-6578526-C-G. GRCh37 (hg19) VCF-style: chr12-6687692-C-G.
Other names: c.4981G>C, p.Glu1661Gln (NM_001297553.2); c.4969G>C, p.Glu1657Gln (NM_001363606.2); c.5002G>C (NM_001273.2); short protein forms E1657Q, E1661Q, E1668Q.
Identifiers: ClinVar variation 1050361 (VCV001050361.6), dbSNP rs201047688, ClinGen allele CA6411327.

ClinVar aggregate classification (germline): Benign/Likely benign. Review status: criteria provided, multiple submitters, no conflicts (2 of 4 stars). 3 submissions from 3 submitters: Benign (1); Likely benign (1). 1 of the submissions does not count toward it. Last evaluated 2024-05-04.

Conditions:
Inborn genetic diseases. Identifiers: MedGen C0950123, MeSH D030342.

Allele frequency attached by ClinVar (database versions not stated): TOPMed 0.00002; gnomAD 0.00013; gnomAD exomes 0.00021 and 0.00042; ExAC 0.00047; 1000 Genomes Project 30x 0.00062; 1000 Genomes Project 0.00080.
gnomAD v4.1: 317 of 1,609,646 alleles (0.02%); highest among the groups gnomAD compares: South Asian, 0.34%; 4 homozygotes.

Submissions (3):

Labcorp Genetics (formerly Invitae), Labcorp
Classification: Benign. Last evaluated: 2024-05-04. Review status: criteria provided, single submitter. Criteria: Invitae Variant Classification Sherloc (09022015). Collection method: clinical testing. Allele origin: germline.

Ambry Genetics
Classification: Likely benign for Inborn genetic diseases. Last evaluated: 2023-09-08. Review status: criteria provided, single submitter. Criteria: Ambry Variant Classification Scheme 2023. Collection method: clinical testing. Allele origin: germline.

Department of Pathology and Laboratory Medicine, Sinai Health System
Classification: Likely benign. Review status: no assertion criteria provided. Collection method: clinical testing. Allele origin: unknown. Affected: yes. Study: The Canadian Open Genetics Repository (COGR). Not counted in ClinVar's aggregate classification.
Comment: The CHD4 p.E1668Q variant was not identified in the literature nor was it identified in Clinvar. The variant was identified in dbSNP (ID: rs201047688) and in control databases in 105 of 247356 chromosomes (1 homozygous) at a frequency of 0.0004245, and was observed at the highest frequency in the South Asian population in 104 of 29966 chromosomes (1 homozygous) (freq: 0.003471) (Genome Aggregation Database March 6, 2019, v2.1.1). The p.E1668 residue is conserved in mammals and computational analyses (MUT Assesor, PolyPhen-2, SIFT, MutationTaster, Revel, FATHMM, MetaLR, DANN) provide inconsistent predictions regarding the impact to the protein; this information is not very predictive of pathogenicity. The variant occurs outside of the splicing consensus sequence and in silico or computational prediction software programs (Splice AI exome) do not predict a deleterious effect on splicing. In summary, based on the above information the clinical significance of this variant cannot be determined with certainty at this time although we would lean towards a more benign role for this variant. This variant is classified as likely benign.